The following is an entry in ClinVar:

ClinVar aggregate classification (germline): Likely pathogenic. Review status: criteria provided, multiple submitters, no conflicts (2 of 4 stars). 2 submissions from 2 submitters: Likely pathogenic (2). Last evaluated 2023-01-25.

Conditions:
Intellectual developmental disorder, autosomal dominant 56. Also called: MENTAL RETARDATION, AUTOSOMAL DOMINANT 56; Intellectual disability, autosomal dominant 56. Identifiers: MedGen C4693389, MONDO:0030922, OMIM 617854.

Submissions (2):

Broad Center for Mendelian Genomics, Broad Institute of MIT and Harvard
Classification: Likely pathogenic for Intellectual developmental disorder, autosomal dominant 56. Last evaluated: 2023-01-25. Review status: criteria provided, single submitter. Criteria: ACMG Guidelines, 2015. Collection method: curation. Allele origin: germline. Inheritance: Autosomal dominant inheritance.
Comment: The heterozygous c.1534del (p.Val512LeufsTer11) variant in CLTC was identified in 1 individual with intellectual disability, autosomal dominant 56 by the Broad Institute Rare Genomes Project. Trio genome analysis showed this variant to be de novo. This variant has not been previously reported in individuals with intellectual disability, autosomal dominant 56 and was absent from large population studies. This variant has also been reported in ClinVar (Variation ID#: 811442) and has been interpreted as likely pathogenic by ARUP Laboratories, Molecular Genetics and Genomics. This variant is predicted to cause a frameshift, which alters the protein‚Äôs amino acid sequence beginning at position 512 and leads to a premature termination codon 11 amino acids downstream. This alteration is then predicted to lead to a truncated or absent protein. While there is some evidence to suggest that heterozygous loss of function of the CLTC gene is a disease mechanism in intellectual disability, autosomal dominant 56, this association is not yet strongly established based on the criteria laid out in Tayoun, 2018 (PMID: 30192042). In summary, although additional studies are required to fully establish its clinical significance, this variant is likely pathogenic for autosomal dominant intellectual disability 56. ACMG/AMP Criteria applied: PS2, PM2, PVS1_moderate (Richards 2015).

ARUP Laboratories, Molecular Genetics and Genomics, ARUP Laboratories
Classification: Likely pathogenic for Intellectual developmental disorder, autosomal dominant 56. Last evaluated: 2019-06-18. Review status: criteria provided, single submitter. Criteria: ARUP Molecular Germline Variant Investigation Process. Collection method: clinical testing. Allele origin: germline.

NC_000017.11:g.59664787del

Gene: CLTC (clathrin heavy chain; plus strand). Cytogenetic location: 17q23.1.
Variant type: Deletion.
Genome position: GRCh38 VCF-style: chr17-59664785-AG-A. GRCh37 (hg19) VCF-style: chr17-57742146-AG-A.
Identifiers: ClinVar variation 811442 (VCV000811442.9), dbSNP rs1598226304, ClinGen allele CA915950650.